The following is an entry in ClinVar:

NM_024675.4(PALB2):c.3206T>C (p.Leu1069Pro)

Gene: PALB2 (partner and localizer of BRCA2; minus strand). Cytogenetic location: 16p12.2.
Variant type: single nucleotide variant.
Coding change: c.3206T>C on transcript NM_024675.4 (MANE Select); coding-DNA position 3206, T replaced by C.
Protein change: p.Leu1069Pro; replaces leucine 1069 with proline.
Molecular consequence: missense variant.
Genome position (GRCh38, 1-based): chr16:23,608,008, A>G on the plus strand (T>C on the coding strand, the complement: PALB2 is on the minus strand). VCF-style: chr16-23608008-A-G. GRCh37 (hg19) VCF-style: chr16-23619329-A-G.
Other names: short protein forms L1069P.
Identifiers: ClinVar variation 1368579 (VCV001368579.6), dbSNP rs2142274393, ClinGen allele CA395140118.

ClinVar aggregate classification (germline): Uncertain significance (1 of 4 stars; one submission).

Conditions:
Familial cancer of breast. Also called: hereditary breast carcinoma; Hereditary breast cancer; BREAST CANCER, FAMILIAL. Identifiers: Orphanet 227535, MedGen C0346153, MONDO:0016419, OMIM 114480. Disease mechanism: loss of function.

Submission:

Labcorp Genetics (formerly Invitae), Labcorp
Classification: Uncertain significance for Familial cancer of breast. Last evaluated: 2021-09-01. Review status: criteria provided, single submitter. Criteria: Invitae Variant Classification Sherloc (09022015). Collection method: clinical testing. Allele origin: germline.
Comment: This sequence change replaces leucine with proline at codon 1069 of the PALB2 protein (p.Leu1069Pro). The leucine residue is highly conserved and there is a moderate physicochemical difference between leucine and proline. This variant is not present in population databases (ExAC no frequency). This variant has not been reported in the literature in individuals affected with PALB2-related conditions. Algorithms developed to predict the effect of missense changes on protein structure and function (SIFT, PolyPhen-2, Align-GVGD) all suggest that this variant is likely to be disruptive. In summary, the available evidence is currently insufficient to determine the role of this variant in disease. Therefore, it has been classified as a Variant of Uncertain Significance.